The following is an entry in ClinVar:

ClinVar aggregate classification (germline): Likely benign (1 of 4 stars; one submission).

Conditions:
KIDINS220-related disorder. Also called: KIDINS220-related condition.

gnomAD v4.1: 2 of 1,614,080 alleles (0.00012%); highest among the groups gnomAD compares: African/African-American, 0.0027%; no homozygotes.

Submission:

PreventionGenetics, part of Exact Sciences
Classification: Likely benign for KIDINS220-related condition. Last evaluated: 2026-09-18. Review status: criteria provided, single submitter. Criteria: ACMG Guidelines, 2015. Collection method: clinical testing. Allele origin: germline.
Comment: This variant is classified as likely benign based on ACMG/AMP sequence variant interpretation guidelines (Richards et al. 2015 PMID: 25741868, with internal and published modifications).

NM_020738.4(KIDINS220):c.2046T>C (p.Val682=)

Gene: KIDINS220 (kinase D interacting substrate 220; minus strand). Cytogenetic location: 2p25.1.
Variant type: single nucleotide variant.
Coding change: c.2046T>C on transcript NM_020738.4 (MANE Select); coding-DNA position 2046, T replaced by C.
Protein change: p.Val682=; no amino-acid change (valine 682 retained).
Molecular consequence: synonymous variant. On other transcripts: non-coding transcript variant (2).
Genome position (GRCh38, 1-based): chr2:8,785,924, A>G on the plus strand (T>C on the coding strand, the complement: KIDINS220 is on the minus strand). VCF-style: chr2-8785924-A-G. GRCh37 (hg19) VCF-style: chr2-8926054-A-G.
Other names: c.2049T>C, p.Val683= (NM_001348729.2, NM_001348731.2, NM_001348734.2 and 3 more transcripts); c.2046T>C, p.Val682= (NM_001348732.2, NM_001348735.2, NM_001348738.2 and 3 more transcripts); c.1920T>C, p.Val640= (NM_001348736.2).
Identifiers: ClinVar variation 4984151 (VCV004984151.1).